The following is an entry in ClinVar:

NM_000360.4(TH):c.1061C>T (p.Ala354Val)

Gene: TH (tyrosine hydroxylase; minus strand). Cytogenetic location: 11p15.5.
Variant type: single nucleotide variant.
Coding change: c.1061C>T on transcript NM_000360.4 (MANE Select); coding-DNA position 1061, C replaced by T.
Protein change: p.Ala354Val; replaces alanine 354 with valine.
Molecular consequence: missense variant.
Genome position (GRCh38, 1-based): chr11:2,166,045, G>A on the plus strand (C>T on the coding strand, the complement: TH is on the minus strand). VCF-style: chr11-2166045-G-A. GRCh37 (hg19) VCF-style: chr11-2187275-G-A.
Other names: c.1154C>T, p.Ala385Val (NM_199292.3); c.1142C>T, p.Ala381Val (NM_199293.3); short protein forms A354V, A381V, A385V.
Identifiers: ClinVar variation 1677075 (VCV001677075.5), dbSNP rs763039181, ClinGen allele CA5818394.

ClinVar aggregate classification (germline): Conflicting classifications of pathogenicity. Review status: criteria provided, conflicting classifications (1 of 4 stars). 4 submissions from 4 submitters: Likely pathogenic (2); Uncertain significance (2). Last evaluated 2025-04-25.

Conditions:
TH-deficient dopa-responsive dystonia. Also called: Tyrosine Hydroxylase-Deficient Dopa-Responsive Dystonia; Segawa syndrome, autosomal recessive; DYT-TH. Identifiers: Orphanet 101150, MedGen C2673535, MONDO:0011551, OMIM 605407.

Allele frequency attached by ClinVar (database versions not stated): gnomAD exomes 0.00002.
gnomAD v4.1: 10 of 1,557,880 alleles (0.00064%); highest among the groups gnomAD compares: East Asian, 0.0047%; no homozygotes.

Submissions (4):

Natera, Inc.
Classification: Likely pathogenic for Autosomal recessive Segawa syndrome. Last evaluated: 2025-04-25. Review status: criteria provided, single submitter. Criteria: Natera Variant Classification Schema (03/2026). Collection method: clinical testing. Allele origin: germline.
Comment: The c.1154C>T variant in TH is a missense variant predicted to cause substitution of alanine to valine at amino acid 385. This variant is rare in the general population with a frequency below the threshold expected for the associated phenotype(s). This variant has been observed in one or more individuals affected with the associated recessive disease, as either homozygous or compound heterozygous with a second variant (PMID: 20056467). Computational prediction algorithms indicate this variant is likely to affect gene or protein function. Given the available evidence, this variant is classified as Likely Pathogenic.

Baylor Genetics
Classification: Likely pathogenic for TH-deficient dopa-responsive dystonia. Last evaluated: 2024-01-24. Review status: criteria provided, single submitter. Criteria: ACMG Guidelines, 2015. Collection method: clinical testing. Allele origin: unknown.

GeneDx
Classification: Uncertain significance. Last evaluated: 2022-06-08. Review status: criteria provided, single submitter. Criteria: GeneDx Variant Classification Process June 2021. Collection method: clinical testing. Allele origin: germline. Affected: yes.
Comment: In silico analysis supports that this missense variant has a deleterious effect on protein structure/function; This variant is associated with the following publications: (PMID: 25525159, 20056467, 20823027)

Women's Health and Genetics/Laboratory Corporation of America, LabCorp
Classification: Uncertain significance. Last evaluated: 2022-03-01. Review status: criteria provided, single submitter. Criteria: LabCorp Variant Classification Summary - May 2015. Collection method: clinical testing. Allele origin: germline.
Comment: Variant summary: TH c.1154C>T (p.Ala385Val) results in a non-conservative amino acid change located in the Aromatic amino acid hydroxylase, C-terminal (IPR019774) of the encoded protein sequence. Five of five in-silico tools predict a damaging effect of the variant on protein function. The variant allele was found at a frequency of 1.8e-05 in 164392 control chromosomes (gnomAD). c.1154C>T has been reported in the literature in compound heterozygous individuals affected with tyrosine hydroxylase deficiency (examples: Mak_2010 and Yeung_2011). These data indicate that the variant may be associated with disease. To our knowledge, no experimental evidence demonstrating an impact on protein function has been reported. No clinical diagnostic laboratories have submitted clinical-significance assessments for this variant to ClinVar after 2014. Based on the evidence outlined above, the variant was classified as VUS-possibly pathogenic.

Literature cited by the submitters: PubMed 20056467 (cited by Natera, Inc. and Women's Health and Genetics/Laboratory Corporation of America, LabCorp); PubMed 20823027 (cited by Women's Health and Genetics/Laboratory Corporation of America, LabCorp).